The following is an entry in ClinVar:

NM_001040151.2(SCN3B):c.308T>C (p.Val103Ala)

Gene: SCN3B (sodium voltage-gated channel beta subunit 3; minus strand). Cytogenetic location: 11q24.1.
Variant type: single nucleotide variant.
Coding change: c.308T>C on transcript NM_001040151.2 (MANE Select); coding-DNA position 308, T replaced by C.
Protein change: p.Val103Ala; replaces valine 103 with alanine.
Molecular consequence: missense variant.
Genome position (GRCh38, 1-based): chr11:123,642,583, A>G on the plus strand (T>C on the coding strand, the complement: SCN3B is on the minus strand). VCF-style: chr11-123642583-A-G. GRCh37 (hg19) VCF-style: chr11-123513291-A-G.
Other names: c.308T>C, p.Val103Ala (NM_018400.4); short protein forms V103A.
Identifiers: ClinVar variation 3438224 (VCV003438224.1).

ClinVar aggregate classification (germline): Uncertain significance (1 of 4 stars; one submission).

Conditions:
Cardiovascular phenotype. Identifiers: MedGen CN230736.

Submission:

Ambry Genetics
Classification: Uncertain significance for Cardiovascular phenotype. Last evaluated: 2024-09-15. Review status: criteria provided, single submitter. Criteria: Ambry Variant Classification Scheme 2023. Collection method: clinical testing. Allele origin: germline.
Comment: The p.V103A variant (also known as c.308T>C), located in coding exon 3 of the SCN3B gene, results from a T to C substitution at nucleotide position 308. The valine at codon 103 is replaced by alanine, an amino acid with similar properties. This amino acid position is conserved. In addition, this alteration is predicted to be tolerated by in silico analysis. Based on the available evidence, the clinical significance of this variant remains unclear.